The following is an entry in ClinVar:

ClinVar aggregate classification (germline): Pathogenic (1 of 4 stars; one submission).

Submission:

Labcorp Genetics (formerly Invitae), Labcorp
Classification: Pathogenic. Last evaluated: 2022-07-27. Review status: criteria provided, single submitter. Criteria: Invitae Variant Classification Sherloc (09022015). Collection method: clinical testing. Allele origin: germline.
Comment: This sequence change inserts a large fragment of DNA, likely a transposable element, in exon 5 of the ALPK3 gene (c.1172_1178delins?), causing a frameshift at codon 391 (p.Ala391fs). The exact size and sequence of the insertion cannot be determined by the current assay. However, the insertion is expected to result in an absent or disrupted protein product. This variant is not present in population databases (gnomAD no frequency). This variant has not been reported in the literature in individuals affected with ALPK3-related conditions. Retrotransposon insertions including LINE1 (L1), Alu, and SVA (SINE-VNTR-Alu) have been reported to be disease-causing through disruption of either a coding region or splice site (PMID: 19763152, 20307669, 22406018) and loss-of-function variants in ALPK3 are known to be pathogenic (PMID: 21441111, 26846950, 27106955, 34263907). For these reasons, this variant has been classified as Pathogenic.

Literature cited by the submitters: PubMed 19763152; PubMed 20307669; PubMed 22406018; PubMed 21441111; PubMed 26846950; PubMed 27106955; PubMed 34263907.

NM_020778.5(ALPK3):c.566_572delinsGCCGGGCGCGGTGGCTCACGCCTGTAATCCCAGCACTTTGGGAGGCCGAGGCGGGCGGATCACGAGGTCAGGNNNNNNNNNNAAAAAAAAAAAAAAAAAAAAAAAAAAAAAAAAA (p.Ala189_Ala191delinsGlyArgAlaArgTrpLeuThrProValIleProAlaLeuTrpGluAlaGluAlaGlyGlySerArgGlyGlnXaaXaaXaaXaaLysLysLysLysLysLysLysLysLysLysLys)

Gene: ALPK3 (alpha kinase 3; plus strand). Cytogenetic location: 15q25.3.
Variant type: Indel.
Coding change: c.566_572delinsGCCGGGCGCGGTGGCTCACGCCTGTAATCCCAGCACTTTGGGAGGCCGAGGCGGGCGGATCACGAGGTCAGGNNNNNNNNNNAAAAAAAAAAAAAAAAAAAAAAAAAAAAAAAAA on transcript NM_020778.5 (MANE Select); coding-DNA positions 566 to 572, the reference bases replaced by an inserted sequence.
Protein change: p.Ala189_Ala191delinsGlyArgAlaArgTrpLeuThrProValIleProAlaLeuTrpGluAlaGluAlaGlyGlySerArgGlyGlnXaaXaaXaaXaaLysLysLysLysLysLysLysLysLysLysLys.
Molecular consequence: inframe indel.
Genome position (GRCh38, 1-based): chr15:84,839,845-84,839,851, 7 bases replaced. GRCh37 (hg19): chr15:85,383,076-85,383,082.
Identifiers: ClinVar variation 2019933 (VCV002019933.4), dbSNP rs2505704995.